The following is an entry in ClinVar:

ClinVar aggregate classification (germline): Uncertain significance. Review status: criteria provided, multiple submitters, no conflicts (2 of 4 stars). 3 submissions from 3 submitters: Uncertain significance (3). Last evaluated 2026-08-29.

Conditions:
Arrhythmogenic right ventricular dysplasia 5. Also called: Arrhythmogenic Right Ventricular Dysplasia/Cardiomyopathy 5; ARRHYTHMOGENIC RIGHT VENTRICULAR DYSPLASIA, FAMILIAL, 5. Identifiers: MedGen C1858379, MONDO:0011459, OMIM 604400.
Cardiovascular phenotype. Identifiers: MedGen CN230736.

Allele frequency attached by ClinVar (database versions not stated): gnomAD exomes below 0.00001; gnomAD 0.00001.
gnomAD v4.1: 3 of 1,614,030 alleles (0.00019%); highest among the groups gnomAD compares: African/African-American, 0.0027%; no homozygotes.

Submissions (3):

Ambry Genetics
Classification: Uncertain significance for Cardiovascular phenotype. Last evaluated: 2026-08-29. Review status: criteria provided, single submitter. Criteria: Ambry Variant Classification Scheme 2023. Collection method: clinical testing. Allele origin: germline.
Comment: The p.H288R variant (also known as c.863A>G), located in coding exon 10 of the TMEM43 gene, results from an A to G substitution at nucleotide position 863. The histidine at codon 288 is replaced by arginine, an amino acid with highly similar properties. This amino acid position is conserved. In addition, this alteration is predicted to be tolerated by in silico analysis. Based on the available evidence, the clinical significance of this variant remains unclear.

Labcorp Genetics (formerly Invitae), Labcorp
Classification: Uncertain significance for Arrhythmogenic right ventricular dysplasia 5. Last evaluated: 2025-06-27. Review status: criteria provided, single submitter. Criteria: Invitae Variant Classification Sherloc (09022015). Collection method: clinical testing. Allele origin: germline.
Comment: This sequence change replaces histidine, which is basic and polar, with arginine, which is basic and polar, at codon 288 of the TMEM43 protein (p.His288Arg). This variant is present in population databases (no rsID available, gnomAD 0.0009%). This variant has not been reported in the literature in individuals affected with TMEM43-related conditions. ClinVar contains an entry for this variant (Variation ID: 3075253). Invitae Evidence Modeling of protein sequence and biophysical properties (such as structural, functional, and spatial information, amino acid conservation, physicochemical variation, residue mobility, and thermodynamic stability) indicates that this missense variant is not expected to disrupt TMEM43 protein function with a negative predictive value of 80%. In summary, the available evidence is currently insufficient to determine the role of this variant in disease. Therefore, it has been classified as a Variant of Uncertain Significance.

All of Us Research Program, National Institutes of Health
Classification: Uncertain significance for Arrhythmogenic right ventricular dysplasia 5. Last evaluated: 2024-01-03. Review status: criteria provided, single submitter. Criteria: ACMG Guidelines, 2015. Collection method: clinical testing. Allele origin: germline. Inheritance: Autosomal dominant inheritance. Observed: 1 variant allele, 1 heterozygote.
Comment: This missense variant replaces histidine with arginine at codon 288 of the TMEM43 protein. Computational prediction suggests that this variant may not impact protein structure and function (internally defined REVEL score threshold <= 0.5, PMID: 27666373). To our knowledge, functional studies have not been reported for this variant. This variant has not been reported in individuals affected with TMEM43-related disorders in the literature. This variant has been identified in 1/250334 chromosomes in the general population by the Genome Aggregation Database (gnomAD). The available evidence is insufficient to determine the role of this variant in disease conclusively. Therefore, this variant is classified as a Variant of Uncertain Significance.

This study involves interpretation of variants in research participants for the purpose of population health screening. Participant phenotype was not available at the time of variant classification. Additional details can be found in publication PMID: 35346344, PMCID: PMC8962531

NM_024334.3(TMEM43):c.863A>G (p.His288Arg)

Gene: TMEM43 (transmembrane protein 43; plus strand). Cytogenetic location: 3p25.1.
Variant type: single nucleotide variant.
Coding change: c.863A>G on transcript NM_024334.3 (MANE Select); coding-DNA position 863, A replaced by G.
Protein change: p.His288Arg; replaces histidine 288 with arginine.
Molecular consequence: missense variant.
Genome position (GRCh38, 1-based): chr3:14,135,889, A>G. VCF-style: chr3-14135889-A-G. GRCh37 (hg19) VCF-style: chr3-14177389-A-G.
Other names: c.866A>G, p.His289Arg (NM_001407274.1); c.860A>G, p.His287Arg (NM_001407275.1, NM_001407277.1); c.863A>G, p.His288Arg (NM_001407276.1); c.848A>G, p.His283Arg (NM_001407278.1); c.788A>G, p.His263Arg (NM_001407279.1); c.713A>G, p.His238Arg (NM_001407280.1); short protein forms H238R, H263R, H283R, H287R, H288R, H289R.
Identifiers: ClinVar variation 3075253 (VCV003075253.3), dbSNP rs1343724887, ClinGen allele CA351536019.